The following is an entry in ClinVar:

ClinVar aggregate classification (germline): Likely benign. Review status: criteria provided, multiple submitters, no conflicts (2 of 4 stars). 2 submissions from 2 submitters: Likely benign (2). Last evaluated 2023-04-01.

Conditions:
Microphthalmia, syndromic 9. Also called: ANOPHTHALMIA, CLINICAL, WITH MILD FACIAL DYSMORPHISM AND VARIABLE MALFORMATIONS OF THE LUNG, HEART, AND DIAPHRAGM; ANOPHTHALMIA/MICROPHTHALMIA AND PULMONARY HYPOPLASIA; Matthew-Wood syndrome; PULMONARY AGENESIS, MICROPHTHALMIA, AND DIAPHRAGMATIC DEFECT; SPEAR SYNDROME. Identifiers: Orphanet 2470, MedGen C1832661, MONDO:0011010, OMIM 601186.

Allele frequency attached by ClinVar (database versions not stated): gnomAD 0.00006 and 0.00007; gnomAD exomes 0.00007; TOPMed 0.00008; ExAC 0.00009; 1000 Genomes Project 30x 0.00016; 1000 Genomes Project 0.00020; ESP Exome Variant Server 0.00023.
gnomAD v4.1: 123 of 1,612,412 alleles (0.0076%); highest among the groups gnomAD compares: Middle Eastern, 0.055%; no homozygotes.

Submissions (2):

CeGaT Center for Human Genetics Tuebingen
Classification: Likely benign. Last evaluated: 2023-04-01. Review status: criteria provided, single submitter. Criteria: CeGaT Center For Human Genetics Tuebingen Variant Classification Criteria Version 2. Collection method: clinical testing. Allele origin: germline. Affected: yes. Observed: 1 variant allele.
Comment: STRA6: BP4, BP7

Labcorp Genetics (formerly Invitae), Labcorp
Classification: Likely benign for Microphthalmia syndromic 9. Last evaluated: 2019-12-31. Review status: criteria provided, single submitter. Criteria: Invitae Variant Classification Sherloc (09022015). Collection method: clinical testing. Allele origin: germline.

NM_022369.4(STRA6):c.591G>A (p.Val197=)

Gene: STRA6 (signaling receptor and transporter of retinol STRA6; minus strand). Cytogenetic location: 15q24.1.
Variant type: single nucleotide variant.
Coding change: c.591G>A on transcript NM_022369.4 (MANE Select); coding-DNA position 591, G replaced by A.
Protein change: p.Val197=; no amino-acid change (valine 197 retained).
Molecular consequence: synonymous variant. On other transcripts: 3 prime UTR variant (1).
Genome position (GRCh38, 1-based): chr15:74,195,308, C>T on the plus strand (G>A on the coding strand, the complement: STRA6 is on the minus strand). VCF-style: chr15-74195308-C-T. GRCh37 (hg19) VCF-style: chr15-74487649-C-T.
Other names: c.591G>A, p.Val197= (NM_001142617.2, NM_001142618.2); c.564G>A, p.Val188= (NM_001142619.2); c.*294G>A (NM_001142620.2); c.702G>A, p.Val234= (NM_001199040.2); c.636G>A, p.Val212= (NM_001199041.2); c.708G>A, p.Val236= (NM_001199042.2).
Identifiers: ClinVar variation 767298 (VCV000767298.28), dbSNP rs138499753, ClinGen allele CA7654948.